The following is an entry in ClinVar:

NM_153717.3(EVC):c.54_61del (p.Asp19fs)

Gene: EVC (EvC ciliary complex subunit 1; plus strand). Cytogenetic location: 4p16.2.
Variant type: Deletion.
Coding change: c.54_61del on transcript NM_153717.3 (MANE Select); coding-DNA positions 54 to 61, 8 bases deleted (GGACGCGC; older notation c.54_61delGGACGCGC).
Protein change: p.Asp19fs; shifts the reading frame from aspartic acid 19.
Molecular consequence: frameshift variant.
Genome position (GRCh38, 1-based): chr4:5,711,434-5,711,441, GGACGCGC deleted. VCF-style (leftmost placement, unchanged base first): chr4-5711433-GGGACGCGC-G. GRCh37 (hg19) VCF-style: chr4-5713160-GGGACGCGC-G.
Other names: c.54_61del, p.Asp19fs (NM_001306090.2, NM_001306092.2); short protein forms D19fs.
Identifiers: ClinVar variation 1725113 (VCV001725113.2), dbSNP rs2474193568, ClinGen allele CA2580070805.

ClinVar aggregate classification (germline): Likely pathogenic (1 of 4 stars; one submission).

Conditions:
Ellis-van Creveld syndrome (EVC). Also called: EVC-Related Ellis-van Creveld Syndrome; EVC2-Related Ellis-van Creveld Syndrome; MESOECTODERMAL DYSPLASIA; Chondroectodermal dysplasia. Identifiers: Orphanet 289, MedGen C0013903, MONDO:0009162, OMIM 225500.

Submission:

Myriad Genetics, Inc.
Classification: Likely pathogenic for Ellis-van Creveld syndrome. Last evaluated: 2022-03-08. Review status: criteria provided, single submitter. Criteria: Myriad Women's Health Autosomal Recessive and X-Linked Classification Criteria (2021). Collection method: clinical testing. Allele origin: unknown.
Comment: NM_153717.2(EVC):c.54_61del8(D19Afs*51) is expected to be pathogenic in the context of EVC-related Ellis-van Creveld syndrome. This variant is predicted to lead to an abnormal or absent protein product due to the creation of a premature termination codon in EVC, a gene where loss-of-function variants are known to be pathogenic. Please note: this variant was assessed in the context of healthy population screening.